The following is an entry in ClinVar:

NM_004006.3(DMD):c.1161G>A (p.Met387Ile)

Gene: DMD (dystrophin; minus strand). Cytogenetic location: Xp21.1.
Variant type: single nucleotide variant.
Coding change: c.1161G>A on transcript NM_004006.3 (MANE Select); coding-DNA position 1161, G replaced by A.
Protein change: p.Met387Ile; replaces methionine 387 with isoleucine.
Molecular consequence: missense variant.
Genome position (GRCh38, 1-based): chrX:32,644,302, C>T on the plus strand (G>A on the coding strand, the complement: DMD is on the minus strand). VCF-style: chrX-32644302-C-T. GRCh37 (hg19) VCF-style: chrX-32662419-C-T.
Other names: c.1137G>A, p.Met379Ile (NM_000109.4); c.1149G>A, p.Met383Ile (NM_004009.3); c.792G>A, p.Met264Ile (NM_004010.3); short protein forms M264I, M379I, M387I, M383I.
Identifiers: ClinVar variation 4765534 (VCV004765534.1).

ClinVar aggregate classification (germline): Uncertain significance (1 of 4 stars; one submission).

Conditions:
Duchenne muscular dystrophy (DMD). Also called: MUSCULAR DYSTROPHY, PSEUDOHYPERTROPHIC PROGRESSIVE, DUCHENNE TYPE; Duchenne Muscular Dystrophy (DMD). Identifiers: Orphanet 98896, MedGen C0013264, MONDO:0010679, OMIM 310200.

Submission:

Labcorp Genetics (formerly Invitae), Labcorp
Classification: Uncertain significance for Duchenne muscular dystrophy. Last evaluated: 2025-03-24. Review status: criteria provided, single submitter. Criteria: Invitae Variant Classification Sherloc (09022015). Collection method: clinical testing. Allele origin: germline.
Comment: This sequence change replaces methionine, which is neutral and non-polar, with isoleucine, which is neutral and non-polar, at codon 387 of the DMD protein (p.Met387Ile). This variant is not present in population databases (gnomAD no frequency). This variant has not been reported in the literature in individuals affected with DMD-related conditions. Invitae Evidence Modeling of protein sequence and biophysical properties (such as structural, functional, and spatial information, amino acid conservation, physicochemical variation, residue mobility, and thermodynamic stability) indicates that this missense variant is not expected to disrupt DMD protein function with a negative predictive value of 95%. In summary, the available evidence is currently insufficient to determine the role of this variant in disease. Therefore, it has been classified as a Variant of Uncertain Significance.